The following is an entry in ClinVar:

NM_000723.5(CACNB1):c.1431C>A (p.Gly477=)

Gene: CACNB1 (calcium voltage-gated channel auxiliary subunit beta 1; minus strand). Cytogenetic location: 17q12.
Variant type: single nucleotide variant.
Coding change: c.1431C>A on transcript NM_000723.5 (MANE Select); coding-DNA position 1431, C replaced by A.
Protein change: p.Gly477=; no amino-acid change (glycine 477 retained).
Molecular consequence: synonymous variant.
Genome position (GRCh38, 1-based): chr17:39,175,559, G>T on the plus strand (C>A on the coding strand, the complement: CACNB1 is on the minus strand). VCF-style: chr17-39175559-G-T. GRCh37 (hg19) VCF-style: chr17-37331812-G-T.
Identifiers: ClinVar variation 2647708 (VCV002647708.24), dbSNP rs542763889, ClinGen allele CA8528184.

ClinVar aggregate classification (germline): Likely benign (1 of 4 stars; one submission).

Allele frequency attached by ClinVar (database versions not stated): TOPMed below 0.00001; gnomAD 0.00002; ExAC 0.00007; 1000 Genomes Project 30x 0.00016; 1000 Genomes Project 0.00020.
gnomAD v4.1: 38 of 1,613,442 alleles (0.0024%); highest among the groups gnomAD compares: South Asian, 0.04%; no homozygotes.

Submission:

CeGaT Center for Human Genetics Tuebingen
Classification: Likely benign. Last evaluated: 2022-11-01. Review status: criteria provided, single submitter. Criteria: CeGaT Center For Human Genetics Tuebingen Variant Classification Criteria Version 2. Collection method: clinical testing. Allele origin: germline. Affected: yes. Observed: 1 variant allele.
Comment: CACNB1: BP4, BP7